The following is an entry in ClinVar:

NM_022489.4(INF2):c.1736-6C>T

Gene: INF2 (inverted formin 2; plus strand). Cytogenetic location: 14q32.33.
Variant type: single nucleotide variant.
Coding change: c.1736-6C>T on transcript NM_022489.4 (MANE Select); 6 bases into the intron before coding-DNA position 1736, C replaced by T.
Molecular consequence: intron variant.
Genome position (GRCh38, 1-based): chr14:104,708,430, C>T. VCF-style: chr14-104708430-C-T. GRCh37 (hg19) VCF-style: chr14-105174767-C-T.
Other names: c.1736-6C>T (NM_001031714.4).
Identifiers: ClinVar variation 472838 (VCV000472838.18), dbSNP rs371991103, ClinGen allele CA7372657.

ClinVar aggregate classification (germline): Likely benign. Review status: criteria provided, multiple submitters, no conflicts (2 of 4 stars). 6 submissions from 6 submitters: Likely benign (6). Last evaluated 2025-12-15.

Conditions:
Focal segmental glomerulosclerosis 5 (FSGS5). Identifiers: Orphanet 656, MedGen C2750475, MONDO:0013191, OMIM 613237.
Charcot-Marie-Tooth disease dominant intermediate E. Also called: CHARCOT-MARIE-TOOTH NEUROPATHY WITH FOCAL SEGMENTAL GLOMERULONEPHRITIS. Identifiers: Orphanet 93114, MedGen C4302667, MONDO:0013758, OMIM 614455.
Inborn genetic diseases. Identifiers: MedGen C0950123, MeSH D030342.

Allele frequency attached by ClinVar (database versions not stated): gnomAD 0.00015 and 0.00017; 1000 Genomes Project 30x 0.00016; 1000 Genomes Project 0.00020; gnomAD exomes 0.00020 and 0.00034; TOPMed 0.00020; ExAC 0.00036; ESP Exome Variant Server 0.00049.
gnomAD v4.1: 322 of 1,611,500 alleles (0.02%); highest among the groups gnomAD compares: Middle Eastern, 0.26%; 1 homozygote.

Submissions (6):

Labcorp Genetics (formerly Invitae), Labcorp
Classification: Likely benign for Charcot-Marie-Tooth disease dominant intermediate E; Focal segmental glomerulosclerosis 5. Last evaluated: 2025-12-15. Review status: criteria provided, single submitter. Criteria: Invitae Variant Classification Sherloc (09022015). Collection method: clinical testing. Allele origin: germline.

Blueprint Genetics
Classification: Likely benign. Last evaluated: 2024-11-22. Review status: criteria provided, single submitter. Criteria: ACMG Guidelines, 2015. Collection method: clinical testing. Allele origin: germline.

Fulgent Genetics
Classification: Likely benign for Focal segmental glomerulosclerosis 5; Charcot-Marie-Tooth disease dominant intermediate E. Last evaluated: 2021-08-02. Review status: criteria provided, single submitter. Criteria: ACMG Guidelines, 2015. Collection method: clinical testing. Allele origin: unknown.

GeneDx
Classification: Likely benign. Last evaluated: 2020-11-06. Review status: criteria provided, single submitter. Criteria: GeneDx Variant Classification Process June 2021. Collection method: clinical testing. Allele origin: germline. Affected: yes.
Comment: This variant is associated with the following publications: (PMID: 23515051)

Ambry Genetics
Classification: Likely benign for Inborn genetic diseases. Last evaluated: 2020-02-03. Review status: criteria provided, single submitter. Criteria: Ambry Variant Classification Scheme 2023. Collection method: clinical testing. Allele origin: germline.

Breakthrough Genomics
Classification: Likely benign. Review status: criteria provided, single submitter. Criteria: ACMG Guidelines, 2015. Collection method: not provided. Allele origin: germline. Inheritance: Autosomal dominant inheritance. Affected: yes.